The following is an entry in ClinVar:

ClinVar aggregate classification (germline): Uncertain significance (1 of 4 stars; one submission).

Submission:

GeneDx
Classification: Uncertain significance. Last evaluated: 2026-03-26. Review status: criteria provided, single submitter. Criteria: GeneDx Variant Classification Process June 2021. Collection method: clinical testing. Allele origin: germline.
Comment: Not observed at significant frequency in large population cohorts (gnomAD); In silico analysis supports that this missense variant has a deleterious effect on protein structure/function; Has not been previously published as pathogenic or benign to our knowledge

NM_003128.3(SPTBN1):c.2017G>T (p.Val673Phe)

Gene: SPTBN1 (spectrin beta, non-erythrocytic 1; plus strand). Cytogenetic location: 2p16.2.
Variant type: single nucleotide variant.
Coding change: c.2017G>T on transcript NM_003128.3 (MANE Select); coding-DNA position 2017, G replaced by T.
Protein change: p.Val673Phe; replaces valine 673 with phenylalanine.
Molecular consequence: missense variant.
Genome position (GRCh38, 1-based): chr2:54,629,151, G>T. VCF-style: chr2-54629151-G-T. GRCh37 (hg19) VCF-style: chr2-54856288-G-T.
Other names: c.1978G>T, p.Val660Phe (NM_178313.3); short protein forms V660F, V673F.
Identifiers: ClinVar variation 5017620 (VCV005017620.1).
Genomic context (GRCh38, chr2:54,629,151, plus strand): 5'-TGGATACGGGAGAAGGAGAAGATCCTGTCCTCGGACGATTACGGGAAAGACCTGACCAGC[G>T]TCATGCGCCTGCTCAGCAAGCACCGGGCGTTCGAGGACGAGATGAGCGGCCGCAGTGGCC-3'
Protein context (NP_003119.2, residues 663-683): SDDYGKDLTS[Val673Phe]MRLLSKHRAF